The following is an entry in ClinVar:

ClinVar aggregate classification (germline): Uncertain significance (1 of 4 stars; one submission).

Conditions:
Hereditary cancer-predisposing syndrome. Also called: Neoplastic Syndromes, Hereditary; Tumor predisposition; Hereditary neoplastic syndrome; Hereditary Cancer Syndrome. Identifiers: Orphanet 140162, MedGen C0027672, MeSH D009386, MONDO:0015356.

Submission:

Ambry Genetics
Classification: Uncertain significance for Hereditary cancer-predisposing syndrome. Last evaluated: 2024-06-17. Review status: criteria provided, single submitter. Criteria: Ambry Variant Classification Scheme 2023. Collection method: clinical testing. Allele origin: germline.
Comment: The p.E518K variant (also known as c.1552G>A), located in coding exon 9 of the ATM gene, results from a G to A substitution at nucleotide position 1552. The glutamic acid at codon 518 is replaced by lysine, an amino acid with similar properties. This amino acid position is not well conserved in available vertebrate species. In addition, this alteration is predicted to be tolerated by in silico analysis. Based on the available evidence, the clinical significance of this variant remains unclear.

NM_000051.4(ATM):c.1552G>A (p.Glu518Lys)

Gene: ATM (ATM serine/threonine kinase; plus strand). Cytogenetic location: 11q22.3.
Variant type: single nucleotide variant.
Coding change: c.1552G>A on transcript NM_000051.4 (MANE Select); coding-DNA position 1552, G replaced by A.
Protein change: p.Glu518Lys; replaces glutamic acid 518 with lysine.
Molecular consequence: missense variant.
Genome position (GRCh38, 1-based): chr11:108,251,017, G>A. VCF-style: chr11-108251017-G-A. GRCh37 (hg19) VCF-style: chr11-108121744-G-A.
Other names: c.1552G>A, p.Glu518Lys (NM_001351834.2); short protein forms E518K.
Identifiers: ClinVar variation 3326570 (VCV003326570.1).